The following is an entry in ClinVar:

ClinVar aggregate classification (germline): Uncertain significance (1 of 4 stars; one submission).

Conditions:
Cardiovascular phenotype. Identifiers: MedGen CN230736.

gnomAD v4.1: 1 of 1,613,956 alleles (0.000062%); highest among the groups gnomAD compares: Non-Finnish European, 0.000085%; no homozygotes.

Submission:

Ambry Genetics
Classification: Uncertain significance for Cardiovascular phenotype. Last evaluated: 2022-08-30. Review status: criteria provided, single submitter. Criteria: Ambry Variant Classification Scheme 2023. Collection method: clinical testing. Allele origin: germline.
Comment: The p.N274Y variant (also known as c.820A>T), located in coding exon 7 of the DSG2 gene, results from an A to T substitution at nucleotide position 820. The asparagine at codon 274 is replaced by tyrosine, an amino acid with dissimilar properties. This amino acid position is conserved. In addition, this alteration is predicted to be tolerated by in silico analysis. Since supporting evidence is limited at this time, the clinical significance of this alteration remains unclear.

NM_001943.5(DSG2):c.820A>T (p.Asn274Tyr)

Gene: DSG2 (desmoglein 2; plus strand). Cytogenetic location: 18q12.1.
Variant type: single nucleotide variant.
Coding change: c.820A>T on transcript NM_001943.5 (MANE Select); coding-DNA position 820, A replaced by T.
Protein change: p.Asn274Tyr; replaces asparagine 274 with tyrosine.
Molecular consequence: missense variant.
Genome position (GRCh38, 1-based): chr18:31,524,577, A>T. VCF-style: chr18-31524577-A-T. GRCh37 (hg19) VCF-style: chr18-29104540-A-T.
Other names: short protein forms N274Y.
Identifiers: ClinVar variation 1762463 (VCV001762463.2), dbSNP rs775464463, ClinGen allele CA402135289.
Genomic context (GRCh38, chr18:31,524,577, plus strand): 5'-AAACAAGCTCAAGTTCAGATTCGTATTTTGGATGTCAATGACAATATACCTGTAGTAGAA[A>T]ATAAAGTGGTAACTATTATTCTTCTAATAACTGTACCTATTTATTTATATTTCAGTCCTA-3'
Protein context (NP_001934.2, residues 264-284): DVNDNIPVVE[Asn274Tyr]KVLEGMVEEN